The following is an entry in ClinVar:

NM_003105.6(SORL1):c.4443G>A (p.Pro1481=)

Genes: SORL1 (sortilin related receptor 1; plus strand), LOC126861368 (P300/CBP strongly-dependent group 1 enhancer GRCh37_chr11:121465964-121467163; plus strand). Cytogenetic location: 11q24.1.
Variant type: single nucleotide variant.
Coding change: c.4443G>A on transcript NM_003105.6 (MANE Select); coding-DNA position 4443, G replaced by A.
Protein change: p.Pro1481=; no amino-acid change (proline 1481 retained).
Molecular consequence: synonymous variant.
Genome position (GRCh38, 1-based): chr11:121,595,696, G>A. VCF-style: chr11-121595696-G-A. GRCh37 (hg19) VCF-style: chr11-121466405-G-A.
Identifiers: ClinVar variation 781050 (VCV000781050.12), dbSNP rs77362036, ClinGen allele CA6329628.
Genomic context (GRCh38, chr11:121,595,696, plus strand): 5'-TGCCTCCACTCCCACCCAACTTGGGCGATGTGACCGATTTGAGTTCGAATGCCACCAACC[G>A]AAGACGTGTATTCCCAACTGGAAGCGCTGTGACGGCCACCAAGATTGCCAGGATGGCCGG-3'
Protein context (NP_003096.2, residues 1471-1491): CDRFEFECHQ[Pro1481=]KTCIPNWKRC

ClinVar aggregate classification (germline): Benign/Likely benign. Review status: criteria provided, multiple submitters, no conflicts (2 of 4 stars). 3 submissions from 3 submitters: Benign (2); Likely benign (1). Last evaluated 2026-04-03.

Conditions:
SORL1-related disorder. Also called: SORL1-related condition.

Allele frequency attached by ClinVar (database versions not stated): gnomAD exomes 0.00080 and 0.00197; ExAC 0.00259; gnomAD 0.00741 and 0.00797; TOPMed 0.00856; ESP Exome Variant Server 0.00892; 1000 Genomes Project 0.00899; 1000 Genomes Project 30x 0.00906.
gnomAD v4.1: 2,352 of 1,613,978 alleles (0.15%); highest among the groups gnomAD compares: African/African-American, 2.5%; 27 homozygotes.

Submissions (3):

PreventionGenetics, part of Exact Sciences
Classification: Likely benign for SORL1-related condition. Last evaluated: 2026-04-03. Review status: criteria provided, single submitter. Criteria: ACMG Guidelines, 2015. Collection method: clinical testing. Allele origin: germline.
Comment: This variant is classified as likely benign based on ACMG/AMP sequence variant interpretation guidelines (Richards et al. 2015 PMID: 25741868, with internal and published modifications).

Labcorp Genetics (formerly Invitae), Labcorp
Classification: Benign. Last evaluated: 2025-12-23. Review status: criteria provided, single submitter. Criteria: Invitae Variant Classification Sherloc (09022015). Collection method: clinical testing. Allele origin: germline.

Breakthrough Genomics
Classification: Benign. Review status: criteria provided, single submitter. Criteria: ACMG Guidelines, 2015. Collection method: not provided. Allele origin: germline. Inheritance: Unknown mechanism. Affected: yes.